The following is an entry in ClinVar:

NM_182931.3(KMT2E):c.5515A>G (p.Ile1839Val)

Gene: KMT2E (lysine methyltransferase 2E (inactive); plus strand). Cytogenetic location: 7q22.3.
Variant type: single nucleotide variant.
Coding change: c.5515A>G on transcript NM_182931.3 (MANE Select); coding-DNA position 5515, A replaced by G.
Protein change: p.Ile1839Val; replaces isoleucine 1839 with valine.
Molecular consequence: missense variant.
Genome position (GRCh38, 1-based): chr7:105,113,271, A>G. VCF-style: chr7-105113271-A-G. GRCh37 (hg19) VCF-style: chr7-104753718-A-G.
Other names: c.5389A>G, p.Ile1797Val (NM_001410908.1); c.5515A>G, p.Ile1839Val (NM_018682.4); short protein forms I1839V, I1797V.
Identifiers: ClinVar variation 3697076 (VCV003697076.3).

ClinVar aggregate classification (germline): Conflicting classifications of pathogenicity. Review status: criteria provided, conflicting classifications (1 of 4 stars). 2 submissions from 2 submitters: Uncertain significance (1); Likely benign (1). Last evaluated 2024-08-13.

gnomAD v4.1: 31 of 1,614,056 alleles (0.0019%); highest among the groups gnomAD compares: South Asian, 0.012%; no homozygotes.

Submissions (2):

Labcorp Genetics (formerly Invitae), Labcorp
Classification: Uncertain significance. Last evaluated: 2024-08-13. Review status: criteria provided, single submitter. Criteria: Invitae Variant Classification Sherloc (09022015). Collection method: clinical testing. Allele origin: germline.
Comment: This sequence change replaces isoleucine, which is neutral and non-polar, with valine, which is neutral and non-polar, at codon 1839 of the KMT2E protein (p.Ile1839Val). This variant is present in population databases (rs140297932, gnomAD 0.02%). This variant has not been reported in the literature in individuals affected with KMT2E-related conditions. An algorithm developed to predict the effect of missense changes on protein structure and function (PolyPhen-2) suggests that this variant is likely to be tolerated. In summary, the available evidence is currently insufficient to determine the role of this variant in disease. Therefore, it has been classified as a Variant of Uncertain Significance.

Blueprint Genetics
Classification: Likely benign. Last evaluated: 2022-11-16. Review status: criteria provided, single submitter. Criteria: ACMG Guidelines, 2015. Collection method: clinical testing. Allele origin: germline.